The following is an entry in ClinVar:

ClinVar aggregate classification (germline): Uncertain significance (1 of 4 stars; one submission).

Conditions:
Congenital contractural arachnodactyly (CCA). Also called: BEALS SYNDROME; Beals-Hecht syndrome; Arthrogryposis, distal, type 9. Identifiers: Orphanet 115, MedGen C0220668, MONDO:0007363, OMIM 121050.

gnomAD v4.1: 2 of 1,607,758 alleles (0.00012%); highest among the groups gnomAD compares: Non-Finnish European, 0.00017%; no homozygotes.

Submission:

Labcorp Genetics (formerly Invitae), Labcorp
Classification: Uncertain significance for Congenital contractural arachnodactyly. Last evaluated: 2025-10-27. Review status: criteria provided, single submitter. Criteria: Invitae Variant Classification Sherloc (09022015). Collection method: clinical testing. Allele origin: germline.
Comment: This sequence change replaces isoleucine, which is neutral and non-polar, with valine, which is neutral and non-polar, at codon 1790 of the FBN2 protein (p.Ile1790Val). This variant is not present in population databases (gnomAD no frequency). This variant has not been reported in the literature in individuals affected with FBN2-related conditions. ClinVar contains an entry for this variant (Variation ID: 3666281). Invitae Evidence Modeling of protein sequence and biophysical properties (such as structural, functional, and spatial information, amino acid conservation, physicochemical variation, residue mobility, and thermodynamic stability) indicates that this missense variant is not expected to disrupt FBN2 protein function with a negative predictive value of 80%. In summary, the available evidence is currently insufficient to determine the role of this variant in disease. Therefore, it has been classified as a Variant of Uncertain Significance.

NM_001999.4(FBN2):c.5368A>G (p.Ile1790Val)

Gene: FBN2 (fibrillin 2; minus strand). Cytogenetic location: 5q23.3.
Variant type: single nucleotide variant.
Coding change: c.5368A>G on transcript NM_001999.4 (MANE Select); coding-DNA position 5368, A replaced by G.
Protein change: p.Ile1790Val; replaces isoleucine 1790 with valine.
Molecular consequence: missense variant.
Genome position (GRCh38, 1-based): chr5:128,307,189, T>C on the plus strand (A>G on the coding strand, the complement: FBN2 is on the minus strand). VCF-style: chr5-128307189-T-C. GRCh37 (hg19) VCF-style: chr5-127642881-T-C.
Other names: short protein forms I1790V.
Identifiers: ClinVar variation 3666281 (VCV003666281.2).
Genomic context (GRCh38, chr5:128,307,189, plus strand): 5'-ACTCACCAACAGCTTTTCCTGTGTGAATGTCAAAGGTGAATCCAGGAATATTTCCACATA[T>C]GGTTTTAAAGTCAGCTTTAAAATATAAACAAAGCAATGCACTCTTAAATTTCTCAAATTC-3'
Protein context (NP_001990.2, residues 1780-1800): PTPGTADFKT[Ile1790Val]CGNIPGFTFD